The following is an entry in ClinVar:

ClinVar aggregate classification (germline): Uncertain significance (1 of 4 stars; one submission).

gnomAD v4.1: 1 of 1,602,778 alleles (0.000062%); highest among the groups gnomAD compares: Non-Finnish European, 0.000085%; no homozygotes.

Submission:

Labcorp Genetics (formerly Invitae), Labcorp
Classification: Uncertain significance. Last evaluated: 2024-08-15. Review status: criteria provided, single submitter. Criteria: Invitae Variant Classification Sherloc (09022015). Collection method: clinical testing. Allele origin: germline.
Comment: This sequence change falls in intron 3 of the JAK2 gene. It does not directly change the encoded amino acid sequence of the JAK2 protein. It affects a nucleotide within the consensus splice site. This variant is not present in population databases (gnomAD no frequency). This variant has not been reported in the literature in individuals affected with JAK2-related conditions. Variants that disrupt the consensus splice site are a relatively common cause of aberrant splicing (PMID: 17576681, 9536098). Algorithms developed to predict the effect of sequence changes on RNA splicing suggest that this variant is not likely to affect RNA splicing. In summary, the available evidence is currently insufficient to determine the role of this variant in disease. Therefore, it has been classified as a Variant of Uncertain Significance.

Literature cited by the submitters: PubMed 17576681; PubMed 9536098.

NM_004972.4(JAK2):c.227-3T>G

Genes: INSL6 (insulin like 6; minus strand), JAK2 (Janus kinase 2; plus strand). Cytogenetic location: 9p24.1.
Variant type: single nucleotide variant.
Coding change: c.227-3T>G on transcript NM_004972.4 (MANE Select); 3 bases into the intron before coding-DNA position 227, T replaced by G.
Molecular consequence: intron variant.
Genome position (GRCh38, 1-based): chr9:5,029,780, T>G. VCF-style: chr9-5029780-T-G. GRCh37 (hg19) VCF-style: chr9-5029780-T-G.
Other names: c.227-3T>G (NM_001322194.2, NM_001322195.2, NM_001322196.2); c.-894-3T>G (NM_001322198.2, NM_001322199.2).
Identifiers: ClinVar variation 3675372 (VCV003675372.2).
Genomic context (GRCh38, chr9:5,029,780, plus strand): 5'-GGTGCTATGTAAAAATATTCTGTTGTGTACCTTTAATAATTCCTTTCTCTGCTTCTTTTC[T>G]AGGTATCACACCTGTGTATCATAATATGTTTGCTTTAATGAGTGAAACAGAAAGGATCTG-3'